The following is an entry in ClinVar:

ClinVar aggregate classification (germline): Benign/Likely benign. Review status: criteria provided, multiple submitters, no conflicts (2 of 4 stars). 2 submissions from 2 submitters: Benign (1); Likely benign (1). Last evaluated 2025-10-24.

Allele frequency attached by ClinVar (database versions not stated): ESP Exome Variant Server 0.00323; 1000 Genomes Project 0.00359; TOPMed 0.00362; 1000 Genomes Project 30x 0.00390.
gnomAD v4.1: 944 of 1,604,080 alleles (0.059%); highest among the groups gnomAD compares: African/African-American, 1.1%; 7 homozygotes.

Submissions (2):

Labcorp Genetics (formerly Invitae), Labcorp
Classification: Benign. Last evaluated: 2025-10-24. Review status: criteria provided, single submitter. Criteria: Invitae Variant Classification Sherloc (09022015). Collection method: clinical testing. Allele origin: germline.

GeneDx
Classification: Likely benign. Last evaluated: 2021-10-21. Review status: criteria provided, single submitter. Criteria: GeneDx Variant Classification Process June 2021. Collection method: clinical testing. Allele origin: germline. Affected: yes.
Comment: See Variant Classification Assertion Criteria.

NM_007214.5(SEC63):c.124+20G>A

Gene: SEC63 (SEC63 protein translocation regulator; minus strand). Cytogenetic location: 6q21.
Variant type: single nucleotide variant.
Coding change: c.124+20G>A on transcript NM_007214.5 (MANE Select); 20 bases into the intron after coding-DNA position 124, G replaced by A.
Molecular consequence: intron variant.
Genome position (GRCh38, 1-based): chr6:107,957,866, C>T on the plus strand (G>A on the coding strand, the complement: SEC63 is on the minus strand). VCF-style: chr6-107957866-C-T. GRCh37 (hg19) VCF-style: chr6-108279070-C-T.
Identifiers: ClinVar variation 1578432 (VCV001578432.10), dbSNP rs114539321, ClinGen allele CA3947868.